The following is an entry in ClinVar:

NM_001440.4(EXTL3):c.1535G>C (p.Gly512Ala)

Gene: EXTL3 (exostosin like glycosyltransferase 3; plus strand). Cytogenetic location: 8p21.1.
Variant type: single nucleotide variant.
Coding change: c.1535G>C on transcript NM_001440.4 (MANE Select); coding-DNA position 1535, G replaced by C.
Protein change: p.Gly512Ala; replaces glycine 512 with alanine.
Molecular consequence: missense variant.
Genome position (GRCh38, 1-based): chr8:28,717,594, G>C. VCF-style: chr8-28717594-G-C. GRCh37 (hg19) VCF-style: chr8-28575111-G-C.
Other names: c.1535G>C (NM_001440.2); short protein forms G512A.
Identifiers: ClinVar variation 1959515 (VCV001959515.4), dbSNP rs761951214, ClinGen allele CA4696238.

ClinVar aggregate classification (germline): Uncertain significance. Review status: criteria provided, multiple submitters, no conflicts (2 of 4 stars). 2 submissions from 2 submitters: Uncertain significance (2). Last evaluated 2025-03-07.

Conditions:
Inborn genetic diseases. Identifiers: MedGen C0950123, MeSH D030342.

Allele frequency attached by ClinVar (database versions not stated): ExAC 0.00001.
gnomAD v4.1: 38 of 1,614,240 alleles (0.0024%); highest among the groups gnomAD compares: Non-Finnish European, 0.0032%; no homozygotes.

Submissions (2):

Ambry Genetics
Classification: Uncertain significance for Inborn genetic diseases. Last evaluated: 2025-03-07. Review status: criteria provided, single submitter. Criteria: Ambry Variant Classification Scheme 2023. Collection method: clinical testing. Allele origin: germline.

Labcorp Genetics (formerly Invitae), Labcorp
Classification: Uncertain significance. Last evaluated: 2022-01-06. Review status: criteria provided, single submitter. Criteria: Invitae Variant Classification Sherloc (09022015). Collection method: clinical testing. Allele origin: germline.
Comment: This variant has not been reported in the literature in individuals affected with EXTL3-related conditions. In summary, the available evidence is currently insufficient to determine the role of this variant in disease. Therefore, it has been classified as a Variant of Uncertain Significance. Algorithms developed to predict the effect of missense changes on protein structure and function (SIFT, PolyPhen-2, Align-GVGD) all suggest that this variant is likely to be disruptive. This variant is present in population databases (rs761951214, gnomAD 0.0009%). This sequence change replaces glycine, which is neutral and non-polar, with alanine, which is neutral and non-polar, at codon 512 of the EXTL3 protein (p.Gly512Ala).